The following is an entry in ClinVar:

ClinVar aggregate classification (germline): Pathogenic/Likely pathogenic. Review status: criteria provided, multiple submitters, no conflicts (2 of 4 stars). 3 submissions from 3 submitters: Pathogenic (1); Likely pathogenic (2). Last evaluated 2025-06-01.

Conditions:
Ehlers-Danlos syndrome, classic type, 1 (EDSCL1). Also called: Ehlers-Danlos Syndrome, Classic Type, COL5A1-Related; EDS I; EHLERS-DANLOS SYNDROME, GRAVIS TYPE; EHLERS-DANLOS SYNDROME, SEVERE CLASSIC TYPE; Ehlers-Danlos syndrome, type 1. Identifiers: MedGen C0268335, MONDO:0019567, OMIM 130000.
Osteogenesis imperfecta type I (OI1). Also called: Osteogenesis imperfecta type 1; Classic Non-deforming Osteogenesis Imperfecta with Blue Sclerae; OI, TYPE I; OSTEOGENESIS IMPERFECTA TARDA; OSTEOGENESIS IMPERFECTA WITH BLUE SCLERAE; Lobstein's Disease. Identifiers: Orphanet 216796, Orphanet 666, MedGen C0023931, MONDO:0008146, OMIM 166200. Disease mechanism: loss of function.

Submissions (3):

CeGaT Center for Human Genetics Tuebingen
Classification: Likely pathogenic. Last evaluated: 2025-06-01. Review status: criteria provided, single submitter. Criteria: CeGaT Center For Human Genetics Tuebingen Variant Classification Criteria Version 2. Collection method: clinical testing. Allele origin: germline. Affected: yes. Observed: 1 variant allele.
Comment: COL1A2: PM1, PM2, PM5:Supporting, PP2, PP3, PP4

Labcorp Genetics (formerly Invitae), Labcorp
Classification: Likely pathogenic for Osteogenesis imperfecta type I; Ehlers-Danlos syndrome, classic type, 1. Last evaluated: 2023-07-12. Review status: criteria provided, single submitter. Criteria: Invitae Variant Classification Sherloc (09022015). Collection method: clinical testing. Allele origin: germline.
Comment: In summary, the currently available evidence indicates that the variant is pathogenic, but additional data are needed to prove that conclusively. Therefore, this variant has been classified as Likely Pathogenic. This variant disrupts the triple helix domain of COL1A2. Glycine residues within the Gly-Xaa-Yaa repeats of the triple helix domain are required for the structure and stability of fibrillar collagens (PMID: 7695699, 8218237, 19344236). In COL1A2, variants affecting these glycine residues are significantly enriched in individuals with disease (PMID: 9016532, 17078022) compared to the general population (ExAC). Advanced modeling of protein sequence and biophysical properties (such as structural, functional, and spatial information, amino acid conservation, physicochemical variation, residue mobility, and thermodynamic stability) performed at Invitae indicates that this missense variant is expected to disrupt COL1A2 protein function. ClinVar contains an entry for this variant (Variation ID: 423428). This variant has not been reported in the literature in individuals affected with COL1A2-related conditions. This variant is not present in population databases (gnomAD no frequency). This sequence change replaces glycine, which is neutral and non-polar, with serine, which is neutral and polar, at codon 352 of the COL1A2 protein (p.Gly352Ser).

GeneDx
Classification: Pathogenic. Last evaluated: 2017-02-24. Review status: criteria provided, single submitter. Criteria: GeneDx Variant Classification (06012015). Collection method: clinical testing. Allele origin: germline. Affected: yes.
Comment: The G352S variant in the COL1A2 gene has not been reported previously as a pathogenic variant nor as a benign variant, to our knowledge. The G352S variant is not observed in large population cohorts (Lek et al., 2016; 1000 Genomes Consortium et al., 2015; Exome Variant Server). The G352S variant is a non-conservative amino acid substitution, which is likely to impact secondary protein structure as these residues differ in polarity, charge, size and/or other properties. In addition, this substitution occurs at a position that is conserved across species, affecting a Glycine residue of the triple-helical region containing Gly-X-Y repeats, and in silico analysis predicts this variant is probably damaging to the protein structure/function. Missense variants in nearby Glycine residues (G349C and G349S) have also been reported in the Human Gene Mutation Database in association with osteogenesis imperfecta (Stenson et al., 2014), supporting the functional importance of this triple-helical region of the protein. We interpret G352S as a pathogenic variant.

Literature cited by the submitters: PubMed 7695699 (cited by Labcorp Genetics (formerly Invitae), Labcorp); PubMed 8218237 (cited by Labcorp Genetics (formerly Invitae), Labcorp); PubMed 19344236 (cited by Labcorp Genetics (formerly Invitae), Labcorp); PubMed 9016532 (cited by Labcorp Genetics (formerly Invitae), Labcorp); PubMed 17078022 (cited by Labcorp Genetics (formerly Invitae), Labcorp).

NM_000089.4(COL1A2):c.1054G>A (p.Gly352Ser)

Gene: COL1A2 (collagen type I alpha 2 chain; plus strand). Cytogenetic location: 7q21.3.
Variant type: single nucleotide variant.
Coding change: c.1054G>A on transcript NM_000089.4 (MANE Select); coding-DNA position 1054, G replaced by A.
Protein change: p.Gly352Ser; replaces glycine 352 with serine.
Molecular consequence: missense variant.
Genome position (GRCh38, 1-based): chr7:94,410,260, G>A. VCF-style: chr7-94410260-G-A. GRCh37 (hg19) VCF-style: chr7-94039572-G-A.
Other names: short protein forms G352S.
Identifiers: ClinVar variation 423428 (VCV000423428.13), dbSNP rs1064796419, ClinGen allele CA16618574.
Genomic context (GRCh38, chr7:94,410,260, plus strand): 5'-CAAATGTTTGTCCTTTGACCACTGTTCTGTATTGAACCCTAGGGTGAGCCTGGTCCAGCT[G>A]GCTCCAAAGGAGAGAGCGGTAACAAGGGTGAGCCCGTAAGTAGCTCTATCATCACACTTT-3'
Protein context (NP_000080.2, residues 342-362): RGLVGEPGPA[Gly352Ser]SKGESGNKGE